The following is an entry in ClinVar:

ClinVar aggregate classification (germline): Benign/Likely benign. Review status: criteria provided, multiple submitters, no conflicts (2 of 4 stars). 4 submissions from 4 submitters: Benign (1); Likely benign (3). Last evaluated 2025-10-13.

Conditions:
Hereditary nonpolyposis colorectal neoplasms. Identifiers: MedGen C0009405, MeSH D003123.
Hereditary cancer-predisposing syndrome. Also called: Neoplastic Syndromes, Hereditary; Tumor predisposition; Hereditary Cancer Syndrome; Hereditary neoplastic syndrome. Identifiers: Orphanet 140162, MedGen C0027672, MeSH D009386, MONDO:0015356.
Lynch syndrome 4 (LYNCH4). Also called: Colorectal cancer, hereditary nonpolyposis, type 4; Hereditary non-polyposis colorectal cancer, type 4. Identifiers: Orphanet 144, MedGen C1838333, MONDO:0013699, OMIM 614337. Disease mechanism: loss of function.

Allele frequency attached by ClinVar (database versions not stated): gnomAD exomes below 0.00001.
gnomAD v4.1: 1 of 1,606,024 alleles (0.000062%); highest among the groups gnomAD compares: Non-Finnish European, 0.000085%; no homozygotes.

Submissions (4):

Labcorp Genetics (formerly Invitae), Labcorp
Classification: Likely benign for Hereditary nonpolyposis colorectal neoplasms. Last evaluated: 2025-10-13. Review status: criteria provided, single submitter. Criteria: Invitae Variant Classification Sherloc (09022015). Collection method: clinical testing. Allele origin: germline.

Myriad Genetics, Inc.
Classification: Benign for Lynch syndrome 4. Last evaluated: 2025-01-23. Review status: criteria provided, single submitter. Criteria: Myriad Autosomal Dominant, Autosomal Recessive and X-Linked Classification Criteria (2023). Collection method: clinical testing. Allele origin: unknown.
Comment: This variant is considered benign. This variant is a silent/synonymous amino acid change and it is not expected to impact splicing.

Women's Health and Genetics/Laboratory Corporation of America, LabCorp
Classification: Likely benign. Last evaluated: 2024-12-06. Review status: criteria provided, single submitter. Criteria: LabCorp Variant Classification Summary - May 2015. Collection method: clinical testing. Allele origin: germline.

Ambry Genetics
Classification: Likely benign for Hereditary cancer-predisposing syndrome. Last evaluated: 2016-10-05. Review status: criteria provided, single submitter. Criteria: Ambry Variant Classification Scheme 2023. Collection method: clinical testing. Allele origin: germline.

NM_000535.7(PMS2):c.213T>C (p.Asn71=)

Gene: PMS2 (PMS1 homolog 2, mismatch repair system component; minus strand). Cytogenetic location: 7p22.1.
Variant type: single nucleotide variant.
Coding change: c.213T>C on transcript NM_000535.7 (MANE Select); coding-DNA position 213, T replaced by C.
Protein change: p.Asn71=; no amino-acid change (asparagine 71 retained).
Molecular consequence: synonymous variant. On other transcripts: 5 prime UTR variant (11), non-coding transcript variant (1).
Genome position (GRCh38, 1-based): chr7:6,004,009, A>G on the plus strand (T>C on the coding strand, the complement: PMS2 is on the minus strand). VCF-style: chr7-6004009-A-G. GRCh37 (hg19) VCF-style: chr7-6043640-A-G.
Other names: c.-193T>C (NM_001322003.2, NM_001322004.2, NM_001322005.2 and 3 more transcripts); c.213T>C, p.Asn71= (NM_001322006.2, NM_001322014.2); c.-3T>C (NM_001322007.2, NM_001322008.2); c.-672T>C (NM_001322011.2, NM_001322012.2); c.-272T>C (NM_001322015.2).
Identifiers: ClinVar variation 484295 (VCV000484295.16), dbSNP rs1554304994, ClinGen allele CA453648596.